The following is an entry in ClinVar:

ClinVar aggregate classification (germline): Uncertain significance (1 of 4 stars; one submission).

Conditions:
Bethlem myopathy 1A. Also called: Bethlem myopathy 1; Bethlem Muscular Dystrophy; MYOPATHY, BENIGN CONGENITAL, WITH CONTRACTURES. Identifiers: Orphanet 610, MedGen CN029274, MONDO:0024530, OMIM 158810.

Submission:

Labcorp Genetics (formerly Invitae), Labcorp
Classification: Uncertain significance for Bethlem myopathy 1A. Last evaluated: 2024-04-16. Review status: criteria provided, single submitter. Criteria: Invitae Variant Classification Sherloc (09022015). Collection method: clinical testing. Allele origin: germline.
Comment: This sequence change replaces threonine, which is neutral and polar, with alanine, which is neutral and non-polar, at codon 818 of the COL6A3 protein (p.Thr818Ala). This variant is not present in population databases (gnomAD no frequency). This variant has not been reported in the literature in individuals affected with COL6A3-related conditions. ClinVar contains an entry for this variant (Variation ID: 1482081). Advanced modeling of protein sequence and biophysical properties (such as structural, functional, and spatial information, amino acid conservation, physicochemical variation, residue mobility, and thermodynamic stability) performed at Invitae indicates that this missense variant is not expected to disrupt COL6A3 protein function with a negative predictive value of 95%. In summary, the available evidence is currently insufficient to determine the role of this variant in disease. Therefore, it has been classified as a Variant of Uncertain Significance.

NM_004369.4(COL6A3):c.2452A>G (p.Thr818Ala)

Gene: COL6A3 (collagen type VI alpha 3 chain; minus strand). Cytogenetic location: 2q37.3.
Variant type: single nucleotide variant.
Coding change: c.2452A>G on transcript NM_004369.4 (MANE Select); coding-DNA position 2452, A replaced by G.
Protein change: p.Thr818Ala; replaces threonine 818 with alanine.
Molecular consequence: missense variant. On other transcripts: intron variant (1).
Genome position (GRCh38, 1-based): chr2:237,378,681, T>C on the plus strand (A>G on the coding strand, the complement: COL6A3 is on the minus strand). VCF-style: chr2-237378681-T-C. GRCh37 (hg19) VCF-style: chr2-238287324-T-C.
Other names: c.1231A>G, p.Thr411Ala (NM_057164.5); c.1834A>G, p.Thr612Ala (NM_057165.5, NM_057167.4); c.677-1337A>G (NM_057166.5); short protein forms T411A, T612A, T818A.
Identifiers: ClinVar variation 1482081 (VCV001482081.8), dbSNP rs2106366553, ClinGen allele CA351212342.
Genomic context (GRCh38, chr2:237,378,681, plus strand): 5'-ACAGGGGAGGTTTACCTGGCTGAGCGAGTGGTACTTCCTCCACACCTCCACTAACATATG[T>C]GGTTAGGGGCTGAATCAGCTGCTGAGGCAAAGCTGGCAGGGAGCTGAAATCATCCATGAG-3'
Protein context (NP_004360.2, residues 808-828): LPQQLIQPLT[Thr818Ala]YVSGGVEEVP